The following is an entry in ClinVar:

NM_014363.6(SACS):c.192_193delinsA (p.Gly65fs)

Gene: SACS (sacsin molecular chaperone; minus strand). Cytogenetic location: 13q12.12.
Variant type: Indel.
Coding change: c.192_193delinsA on transcript NM_014363.6 (MANE Select); coding-DNA positions 192 to 193, TG replaced by A.
Protein change: p.Gly65fs; shifts the reading frame from glycine 65.
Molecular consequence: frameshift variant. On other transcripts: intron variant (1).
Genome position (GRCh38, 1-based): chr13:23,371,144-23,371,145, CA replaced by T on the plus strand (TG replaced by A on the coding strand, the reverse complement: SACS is on the minus strand). VCF-style: chr13-23371144-CA-T. GRCh37 (hg19) VCF-style: chr13-23945283-CA-T.
Other names: c.-182-2658_-182-2657delinsA (NM_001278055.2); short protein forms G65fs.
Identifiers: ClinVar variation 1724874 (VCV001724874.2), dbSNP rs2542474575, ClinGen allele CA2580086810.

ClinVar aggregate classification (germline): Likely pathogenic (1 of 4 stars; one submission).

Conditions:
Charlevoix-Saguenay spastic ataxia (SACS). Also called: SPASTIC ATAXIA 6, AUTOSOMAL RECESSIVE; AUTOSOMAL RECESSIVE SPASTIC ATAXIA OF CHARLEVOIX-SAGUENAY; Spastic ataxia of Charlevoix-Saguenay. Identifiers: Orphanet 98, MedGen C1849140, MONDO:0010041, OMIM 270550.

Submission:

Myriad Genetics, Inc.
Classification: Likely pathogenic for Charlevoix-Saguenay spastic ataxia. Last evaluated: 2022-03-02. Review status: criteria provided, single submitter. Criteria: Myriad Women's Health Autosomal Recessive and X-Linked Classification Criteria (2021). Collection method: clinical testing. Allele origin: unknown.
Comment: NM_014363.4(SACS):c.192_193delTGinsA(G65Efs*3) is expected to be pathogenic in the context of autosomal recessive spastic ataxia of Charlevoix-Saguenay. This variant is predicted to lead to an abnormal or absent protein product due to the creation of a premature termination codon in SACS, a gene where loss-of-function variants are known to be pathogenic. Please note: this variant was assessed in the context of healthy population screening.